The following is an entry in ClinVar:

NM_005883.3(APC2):c.5636C>T (p.Thr1879Ile)

Gene: APC2 (APC regulator of Wnt signaling pathway 2; plus strand). Cytogenetic location: 19p13.3.
Variant type: single nucleotide variant.
Coding change: c.5636C>T on transcript NM_005883.3 (MANE Select); coding-DNA position 5636, C replaced by T.
Protein change: p.Thr1879Ile; replaces threonine 1879 with isoleucine.
Molecular consequence: missense variant.
Genome position (GRCh38, 1-based): chr19:1,468,937, C>T. VCF-style: chr19-1468937-C-T. GRCh37 (hg19) VCF-style: chr19-1468936-C-T.
Other names: c.5633C>T, p.Thr1878Ile (NM_001351273.1); short protein forms T1879I, T1878I.
Identifiers: ClinVar variation 2104760 (VCV002104760.4), dbSNP rs1057247568, ClinGen allele CA403041534.

ClinVar aggregate classification (germline): Uncertain significance (1 of 4 stars; one submission).

Allele frequency attached by ClinVar (database versions not stated): gnomAD exomes below 0.00001; TOPMed below 0.00001.
gnomAD v4.1: 2 of 1,542,278 alleles (0.00013%); highest among the groups gnomAD compares: Non-Finnish European, 0.00017%; no homozygotes.

Submission:

Labcorp Genetics (formerly Invitae), Labcorp
Classification: Uncertain significance. Last evaluated: 2022-07-21. Review status: criteria provided, single submitter. Criteria: Invitae Variant Classification Sherloc (09022015). Collection method: clinical testing. Allele origin: germline.
Comment: In summary, the available evidence is currently insufficient to determine the role of this variant in disease. Therefore, it has been classified as a Variant of Uncertain Significance. Algorithms developed to predict the effect of missense changes on protein structure and function are either unavailable or do not agree on the potential impact of this missense change (SIFT: "Deleterious"; PolyPhen-2: "Benign"; Align-GVGD: "Class C0"). This variant has not been reported in the literature in individuals affected with APC2-related conditions. This variant is present in population databases (no rsID available, gnomAD 0.001%). This sequence change replaces threonine, which is neutral and polar, with isoleucine, which is neutral and non-polar, at codon 1879 of the APC2 protein (p.Thr1879Ile).